The following is an entry in ClinVar:

ClinVar aggregate classification (germline): Uncertain significance (1 of 4 stars; one submission).

Conditions:
Inborn genetic diseases. Identifiers: MedGen C0950123, MeSH D030342.

Submission:

Ambry Genetics
Classification: Uncertain significance for Inborn genetic diseases. Last evaluated: 2024-07-06. Review status: criteria provided, single submitter. Criteria: Ambry Variant Classification Scheme 2023. Collection method: clinical testing. Allele origin: germline.
Comment: The p.I1120L variant (also known as c.3358A>C), located in coding exon 27 of the ABCC8 gene, results from an A to C substitution at nucleotide position 3358. The isoleucine at codon 1120 is replaced by leucine, an amino acid with highly similar properties. This amino acid position is conserved. In addition, this alteration is predicted to be deleterious by in silico analysis. Based on the available evidence, the clinical significance of this variant remains unclear.

NM_000352.6(ABCC8):c.3358A>C (p.Ile1120Leu)

Gene: ABCC8 (ATP binding cassette subfamily C member 8; minus strand). Cytogenetic location: 11p15.1.
Variant type: single nucleotide variant.
Coding change: c.3358A>C on transcript NM_000352.6 (MANE Select); coding-DNA position 3358, A replaced by C.
Protein change: p.Ile1120Leu; replaces isoleucine 1120 with leucine.
Molecular consequence: missense variant. On other transcripts: non-coding transcript variant (1).
Genome position (GRCh38, 1-based): chr11:17,405,535, T>G on the plus strand (A>C on the coding strand, the complement: ABCC8 is on the minus strand). VCF-style: chr11-17405535-T-G. GRCh37 (hg19) VCF-style: chr11-17427082-T-G.
Other names: c.3361A>C, p.Ile1121Leu (NM_001287174.3); c.3424A>C, p.Ile1142Leu (NM_001351295.2); c.3358A>C, p.Ile1120Leu (NM_001351296.2); c.3355A>C, p.Ile1119Leu (NM_001351297.2); short protein forms I1121L, I1119L, I1120L, I1142L.
Identifiers: ClinVar variation 3402896 (VCV003402896.1).